The following is an entry in ClinVar:

NM_153605.4(CRYBG3):c.6841G>A (p.Glu2281Lys)

Gene: CRYBG3 (crystallin beta-gamma domain containing 3; plus strand). Cytogenetic location: 3q11.2.
Variant type: single nucleotide variant.
Coding change: c.6841G>A on transcript NM_153605.4 (MANE Select); coding-DNA position 6841, G replaced by A.
Protein change: p.Glu2281Lys; replaces glutamic acid 2281 with lysine.
Molecular consequence: missense variant.
Genome position (GRCh38, 1-based): chr3:97,878,035, G>A. VCF-style: chr3-97878035-G-A. GRCh37 (hg19) VCF-style: chr3-97596879-G-A.
Other names: short protein forms E2281K.
Identifiers: ClinVar variation 2653996 (VCV002653996.24), dbSNP rs149984020, ClinGen allele CA2506386.

ClinVar aggregate classification (germline): Likely benign (1 of 4 stars; one submission).

Allele frequency attached by ClinVar (database versions not stated): 1000 Genomes Project 30x 0.00203; 1000 Genomes Project 0.00220; ESP Exome Variant Server 0.00342; ExAC 0.00380; TOPMed 0.00405; gnomAD 0.00451; gnomAD exomes 0.00584.
gnomAD v4.1: 9,019 of 1,597,998 alleles (0.56%); highest among the groups gnomAD compares: Non-Finnish European, 0.66%; 35 homozygotes.

Submission:

CeGaT Center for Human Genetics Tuebingen
Classification: Likely benign. Last evaluated: 2022-11-01. Review status: criteria provided, single submitter. Criteria: CeGaT Center For Human Genetics Tuebingen Variant Classification Criteria Version 2. Collection method: clinical testing. Allele origin: germline. Affected: yes. Observed: 1 variant allele.
Comment: CRYBG3: BP4, BS2